The following is an entry in ClinVar:

ClinVar aggregate classification (germline): Uncertain significance (1 of 4 stars; one submission).

Submission:

Ambry Genetics
Classification: Uncertain significance. Last evaluated: 2022-02-01. Review status: criteria provided, single submitter. Criteria: Ambry Variant Classification Scheme 2023. Collection method: clinical testing. Allele origin: germline.
Comment: The p.M377I variant (also known as c.1131G>C), located in coding exon 9 of the RINT1 gene, results from a G to C substitution at nucleotide position 1131. The methionine at codon 377 is replaced by isoleucine, an amino acid with highly similar properties. This amino acid position is conserved. In addition, this alteration is predicted to be tolerated by in silico analysis. Since supporting evidence is limited at this time, the clinical significance of this alteration remains unclear.

NM_021930.6(RINT1):c.1131G>C (p.Met377Ile)

Gene: RINT1 (RAD50 interactor 1; plus strand). Cytogenetic location: 7q22.3.
Variant type: single nucleotide variant.
Coding change: c.1131G>C on transcript NM_021930.6 (MANE Select); coding-DNA position 1131, G replaced by C.
Protein change: p.Met377Ile; replaces methionine 377 with isoleucine.
Molecular consequence: missense variant. On other transcripts: non-coding transcript variant (1).
Genome position (GRCh38, 1-based): chr7:105,550,284, G>C. VCF-style: chr7-105550284-G-C. GRCh37 (hg19) VCF-style: chr7-105190731-G-C.
Other names: c.897G>C, p.Met299Ile (NM_001346599.2); c.108G>C, p.Met36Ile (NM_001346600.2, NM_001346603.2); c.207G>C, p.Met69Ile (NM_001346601.2); short protein forms M299I, M36I, M377I, M69I.
Identifiers: ClinVar variation 1728578 (VCV001728578.2), dbSNP rs2485132812, ClinGen allele CA368808813.